The following is an entry in ClinVar:

ClinVar aggregate classification (germline): Conflicting classifications of pathogenicity. Review status: criteria provided, conflicting classifications (1 of 4 stars). 2 submissions from 2 submitters: Uncertain significance (1); Likely benign (1). Last evaluated 2025-05-05.

Conditions:
Inborn genetic diseases. Identifiers: MedGen C0950123, MeSH D030342.

Submissions (2):

Ambry Genetics
Classification: Likely benign for Inborn genetic diseases. Last evaluated: 2025-05-05. Review status: criteria provided, single submitter. Criteria: Ambry Variant Classification Scheme 2023. Collection method: clinical testing. Allele origin: germline.

Labcorp Genetics (formerly Invitae), Labcorp
Classification: Uncertain significance. Last evaluated: 2022-12-18. Review status: criteria provided, single submitter. Criteria: Invitae Variant Classification Sherloc (09022015). Collection method: clinical testing. Allele origin: germline.
Comment: Advanced modeling of protein sequence and biophysical properties (such as structural, functional, and spatial information, amino acid conservation, physicochemical variation, residue mobility, and thermodynamic stability) performed at Invitae indicates that this missense variant is not expected to disrupt THBD protein function. In summary, the available evidence is currently insufficient to determine the role of this variant in disease. Therefore, it has been classified as a Variant of Uncertain Significance. This variant has not been reported in the literature in individuals affected with THBD-related conditions. This variant is not present in population databases (gnomAD no frequency). This sequence change replaces isoleucine, which is neutral and non-polar, with leucine, which is neutral and non-polar, at codon 330 of the THBD protein (p.Ile330Leu).

NM_000361.3(THBD):c.988A>T (p.Ile330Leu)

Gene: THBD (thrombomodulin; minus strand). Cytogenetic location: 20p11.21.
Variant type: single nucleotide variant.
Coding change: c.988A>T on transcript NM_000361.3 (MANE Select); coding-DNA position 988, A replaced by T.
Protein change: p.Ile330Leu; replaces isoleucine 330 with leucine.
Molecular consequence: missense variant.
Genome position (GRCh38, 1-based): chr20:23,048,517, T>A on the plus strand (A>T on the coding strand, the complement: THBD is on the minus strand). VCF-style: chr20-23048517-T-A. GRCh37 (hg19) VCF-style: chr20-23029154-T-A.
Other names: short protein forms I330L.
Identifiers: ClinVar variation 2819894 (VCV002819894.4), dbSNP rs2515204157, ClinGen allele CA408406519.